The following continues an entry in ClinVar:

NM_000051.4(ATM):c.4138C>T (p.His1380Tyr)

Gene: ATM. ClinVar aggregate classification (germline): Benign. Benign (17).

Submissions 23 to 27 of 27:

Department of Pathology and Laboratory Medicine, Sinai Health System
Classification: Likely benign. Review status: no assertion criteria provided. Collection method: clinical testing. Allele origin: unknown. Affected: yes. Study: The Canadian Open Genetics Repository (COGR). Not counted in ClinVar's aggregate classification.
Comment: The ATM p.His1380Tyr variant was identified in 23 of 1184 proband chromosomes (frequency: 0.019) from individuals or families with CML, AML, ALL, Hodgkin disease and was present in 1 of 166 control chromosomes (frequency: 0.006) from healthy individuals (Melo 2001, Petereit 2013, Shi 2011, Takagi 2004). The variant was also identified in the following databases: dbSNP (ID: rs3092856) as other, ClinVar (classified as benign by Ambry Genetics, Prevention Genetics, Emory Genetics, Color Genomics, Invitae; classified as likely benign by Illumina), Cosmic (classified as Neutral (score 0.29), MutDB, and LOVD 3.0. The variant was not identified in the COGR, or ATM-LOVD. The variant was identified in control databases in 3636 (97 homozygous) of 277050 chromosomes at a frequency of 0.013 increasing the likelihood this could be a low frequency benign variant (Genome Aggregation Consortium Feb 27, 2017). The variant was identified in the following populations at a frequency greater than 1%: African in 1625 of 24030 chromosomes (freq: 0.068), South Asian in 1484 of 30780 chromosomes (freq: 0.048), East Asian in 277 of 18862 chromosomes (freq: 0.015). The p.His1380 residue is not conserved in mammals and computational analyses (PolyPhen-2, SIFT, AlignGVGD, BLOSUM, MutationTaster) do not suggest a high likelihood of impact to the protein; however, this information is not predictive enough to rule out pathogenicity. The variant occurs outside of the splicing consensus sequence and in silico or computational prediction software programs (SpliceSiteFinder, MaxEntScan, NNSPLICE, GeneSplicer, HumanSpliceFinder) do not predict a difference in splicing. In study by Shi (2011), cases with ATM 4138CT variant presented with primary refractory disease, and ATM 4138C>T patients generally had inferior overall survival comparing with ATM 4138C>C patients. Results of a study by Takagi (2004) provide indirect evidence that H1380Y acts in a dominant-negative manner and H1380Y could be an allele with a very low penetrance. Patient with H1380Y exhibited normal p53 phosphorylation activity but defective c-Abl kinase activation. In summary, based on the above information, the clinical significance of this variant cannot be determined with certainty at this time although we would lean towards a more benign role for this variant. This variant is classified as likely benign.

Genome Diagnostics Laboratory, Amsterdam University Medical Center
Classification: Benign. Review status: no assertion criteria provided. Collection method: clinical testing. Allele origin: germline. Affected: yes. Study: VKGL Data-share Consensus. Not counted in ClinVar's aggregate classification.

Genome Diagnostics Laboratory, University Medical Center Utrecht
Classification: Likely benign. Review status: no assertion criteria provided. Collection method: clinical testing. Allele origin: germline. Affected: yes. Study: VKGL Data-share Consensus. Not counted in ClinVar's aggregate classification.

Joint Genome Diagnostic Labs from Nijmegen and Maastricht, Radboudumc and MUMC+
Classification: Benign. Review status: no assertion criteria provided. Collection method: clinical testing. Allele origin: germline. Affected: yes. Study: VKGL Data-share Consensus. Not counted in ClinVar's aggregate classification.

Laboratory of Diagnostic Genome Analysis, Leiden University Medical Center (LUMC)
Classification: Likely benign. Review status: no assertion criteria provided. Collection method: clinical testing. Allele origin: germline. Affected: yes. Study: VKGL Data-share Consensus. Not counted in ClinVar's aggregate classification.

Literature cited by the submitters: PubMed 12969974 (cited by Athena Diagnostics); PubMed 20232390 (cited by Athena Diagnostics); PubMed 11746755 (cited by Athena Diagnostics); PubMed 20981092 (cited by Athena Diagnostics); PubMed 22995991 (cited by Athena Diagnostics); PubMed 24728327 (cited by Athena Diagnostics and ITMI); PubMed 27016235 (cited by Athena Diagnostics); PubMed 22529920 (cited by Athena Diagnostics); PubMed 27153395 (cited by Athena Diagnostics); PubMed 11505391 (cited by Athena Diagnostics); PubMed 11516106 (cited by Athena Diagnostics); PubMed 17393301 (cited by Athena Diagnostics); PubMed 11443540 (cited by Athena Diagnostics); PubMed 17517479 (cited by Athena Diagnostics).